The following is an entry in ClinVar:

ClinVar aggregate classification (germline): Conflicting classifications of pathogenicity. Review status: criteria provided, conflicting classifications (1 of 4 stars). 4 submissions from 4 submitters: Uncertain significance (3); Likely benign (1). Last evaluated 2025-10-07.

Conditions:
NALCN-related disorder. Also called: NALCN-related disorders; NALCN-related condition.
Inborn genetic diseases. Identifiers: MedGen C0950123, MeSH D030342.

Allele frequency attached by ClinVar (database versions not stated): ExAC 0.00001; gnomAD 0.00001; gnomAD exomes 0.00001; TOPMed 0.00003.
gnomAD v4.1: 12 of 1,614,010 alleles (0.00074%); highest among the groups gnomAD compares: South Asian, 0.0011%; no homozygotes.

Submissions (4):

Women's Health and Genetics/Laboratory Corporation of America, LabCorp
Classification: Uncertain significance. Last evaluated: 2025-10-07. Review status: criteria provided, single submitter. Criteria: LabCorp Variant Classification Summary - May 2015. Collection method: clinical testing. Allele origin: germline.
Comment: Variant summary: NALCN c.5125G>A (p.Ala1709Thr) results in a non-conservative amino acid change in the encoded protein sequence. Algorithms developed to predict the effect of missense changes on protein structure and function are either unavailable or do not agree on the potential impact of this missense change. The variant allele was found at a frequency of 4e-06 in 251448 control chromosomes. The available data on variant occurrences in the general population are insufficient to allow any conclusion about variant significance. To our knowledge, no occurrence of c.5125G>A in individuals affected with NALCN-related conditions and no experimental evidence demonstrating its impact on protein function have been reported. ClinVar contains an entry for this variant (Variation ID: 3017873). Based on the evidence outlined above, the variant was classified as uncertain significance.

Ambry Genetics
Classification: Likely benign for Inborn genetic diseases. Last evaluated: 2024-10-12. Review status: criteria provided, single submitter. Criteria: Ambry Variant Classification Scheme 2023. Collection method: clinical testing. Allele origin: germline.

PreventionGenetics, part of Exact Sciences
Classification: Uncertain significance for NALCN-related condition. Last evaluated: 2024-10-09. Review status: criteria provided, single submitter. Criteria: ACMG Guidelines, 2015. Collection method: clinical testing. Allele origin: germline.
Comment: The NALCN c.5125G>A variant is predicted to result in the amino acid substitution p.Ala1709Thr. To our knowledge, this variant has not been reported in the literature. This variant is reported in 0.00088% of alleles in individuals of European (Non-Finnish) descent in gnomAD. At this time, the clinical significance of this variant is uncertain due to the absence of conclusive functional and genetic evidence.

Labcorp Genetics (formerly Invitae), Labcorp
Classification: Uncertain significance. Last evaluated: 2023-05-22. Review status: criteria provided, single submitter. Criteria: Invitae Variant Classification Sherloc (09022015). Collection method: clinical testing. Allele origin: germline.
Comment: In summary, the available evidence is currently insufficient to determine the role of this variant in disease. Therefore, it has been classified as a Variant of Uncertain Significance. Advanced modeling of protein sequence and biophysical properties (such as structural, functional, and spatial information, amino acid conservation, physicochemical variation, residue mobility, and thermodynamic stability) performed at Invitae indicates that this missense variant is not expected to disrupt NALCN protein function. This sequence change replaces alanine, which is neutral and non-polar, with threonine, which is neutral and polar, at codon 1709 of the NALCN protein (p.Ala1709Thr). This variant is present in population databases (rs755292491, gnomAD 0.0009%). This variant has not been reported in the literature in individuals affected with NALCN-related conditions.

NM_052867.4(NALCN):c.5125G>A (p.Ala1709Thr)

Genes: NALCN-AS1 (NALCN antisense RNA 1; plus strand), NALCN (sodium leak channel, non-selective; minus strand). Cytogenetic location: 13q32.3.
Variant type: single nucleotide variant.
Coding change: c.5125G>A on transcript NM_052867.4 (MANE Select); coding-DNA position 5125, G replaced by A.
Protein change: p.Ala1709Thr; replaces alanine 1709 with threonine.
Molecular consequence: missense variant. On other transcripts: non-coding transcript variant (1).
Genome position (GRCh38, 1-based): chr13:101,055,387, C>T on the plus strand (G>A on the coding strand, the complement: NALCN is on the minus strand). VCF-style: chr13-101055387-C-T. GRCh37 (hg19) VCF-style: chr13-101707739-C-T.
Other names: c.5125G>A (NM_052867.2); c.5212G>A, p.Ala1738Thr (NM_001350748.2); c.5125G>A, p.Ala1709Thr (NM_001350749.2); c.5038G>A, p.Ala1680Thr (NM_001350750.2, NM_001350751.2); short protein forms A1709T, A1738T, A1680T.
Identifiers: ClinVar variation 3017873 (VCV003017873.7), dbSNP rs755292491, ClinGen allele CA7034914.
Genomic context (GRCh38, chr13:101,055,387, plus strand): 5'-CGCTCTCCACAGTCAGCTGCCGGGTCCACCACTTCTTAACTTCAGAACCGCAGGAAGCCG[C>T]GTCAGTCATGGGGTTCATTTTGCACACGACAGATTTCATGGTTGTCCTTCCTCCAAACCG-3'
Protein context (NP_443099.1, residues 1699-1719): VVCKMNPMTD[Ala1709Thr]ASCGSEVKKW